The following is an entry in ClinVar:

ClinVar aggregate classification (germline): Uncertain significance. Review status: criteria provided, multiple submitters, no conflicts (2 of 4 stars). 2 submissions from 2 submitters: Uncertain significance (2). Last evaluated 2026-04-20.

Submissions (2):

GeneDx
Classification: Uncertain significance. Last evaluated: 2026-04-20. Review status: criteria provided, single submitter. Criteria: GeneDx Variant Classification Process June 2021. Collection method: clinical testing. Allele origin: germline.
Comment: Not observed at significant frequency in large population cohorts (gnomAD); Frameshift variant predicted to result in protein truncation or nonsense mediated decay in a gene or region of a gene for which loss of function is not a well-established mechanism of disease; Has not been previously published as pathogenic or benign to our knowledge

Labcorp Genetics (formerly Invitae), Labcorp
Classification: Uncertain significance. Last evaluated: 2024-06-13. Review status: criteria provided, single submitter. Criteria: Invitae Variant Classification Sherloc (09022015). Collection method: clinical testing. Allele origin: germline.
Comment: This sequence change creates a premature translational stop signal (p.Asp272Glufs*22) in the ALPK1 gene. It is expected to result in an absent or disrupted protein product. However, the current clinical and genetic evidence is not sufficient to establish whether loss-of-function variants in ALPK1 cause disease. This variant is not present in population databases (gnomAD no frequency). This variant has not been reported in the literature in individuals affected with ALPK1-related conditions. In summary, the available evidence is currently insufficient to determine the role of this variant in disease. Therefore, it has been classified as a Variant of Uncertain Significance.

NM_025144.4(ALPK1):c.816_837del (p.Asp272fs)

Gene: ALPK1 (alpha kinase 1; plus strand). Cytogenetic location: 4q25.
Variant type: Deletion.
Coding change: c.816_837del on transcript NM_025144.4 (MANE Select); coding-DNA positions 816 to 837, 22 bases deleted (CCACCATTTGCTGTCCGCTGCA).
Protein change: p.Asp272fs; shifts the reading frame from aspartic acid 272.
Molecular consequence: frameshift variant.
Genome position (GRCh38, 1-based): chr4:112,429,169-112,429,190, CCACCATTTGCTGTCCGCTGCA deleted; deleting any 22 consecutive bases within chr4:112,429,168-112,429,190 gives the same sequence; the c. name uses the placement nearest the transcript's 3' end. VCF-style (leftmost placement, unchanged base first): chr4-112429167-GACCACCATTTGCTGTCCGCTGC-G. GRCh37 (hg19) VCF-style: chr4-113350323-GACCACCATTTGCTGTCCGCTGC-G.
Other names: c.816_837del, p.Asp272fs (NM_001102406.2); c.582_603del, p.Asp194fs (NM_001253884.2); c.816_837del (NM_025144.3); short protein forms D272fs, D194fs.
Identifiers: ClinVar variation 3656619 (VCV003656619.3).